The following is an entry in ClinVar:

ClinVar aggregate classification (germline): Uncertain significance (1 of 4 stars; one submission).

gnomAD v4.1: 40 of 1,612,628 alleles (0.0025%); highest among the groups gnomAD compares: Admixed American, 0.063%; no homozygotes.

Submission:

CeGaT Center for Human Genetics Tuebingen
Classification: Uncertain significance. Last evaluated: 2025-12-01. Review status: criteria provided, single submitter. Criteria: CeGaT Center For Human Genetics Tuebingen Variant Classification Criteria Version 2. Collection method: clinical testing. Allele origin: germline. Affected: yes. Observed: 1 variant allele.
Comment: CENPE: PM2

NM_001813.3(CENPE):c.3092C>T (p.Ala1031Val)

Gene: CENPE (centromere protein E; minus strand). Cytogenetic location: 4q24.
Variant type: single nucleotide variant.
Coding change: c.3092C>T on transcript NM_001813.3 (MANE Select); coding-DNA position 3092, C replaced by T.
Protein change: p.Ala1031Val; replaces alanine 1031 with valine.
Molecular consequence: missense variant.
Genome position (GRCh38, 1-based): chr4:103,153,192, G>A on the plus strand (C>T on the coding strand, the complement: CENPE is on the minus strand). VCF-style: chr4-103153192-G-A. GRCh37 (hg19) VCF-style: chr4-104074349-G-A.
Other names: c.3017C>T, p.Ala1006Val (NM_001286734.2); short protein forms A1006V, A1031V.
Identifiers: ClinVar variation 4534514 (VCV004534514.6).
Genomic context (GRCh38, chr4:103,153,192, plus strand): 5'-TCCTGTATTAAAGAAAATATCTTCCTTTGTTGCTCAATTATCTCATTATCCTTAACATCT[G>A]CAGTTAGTGTTTGGGTATTTTTAGCTTCCAAATCCTGTTTTTTATCTATGCCAACCATCT-3'
Protein context (NP_001804.2, residues 1021-1041): LEAKNTQTLT[Ala1031Val]DVKDNEIIEQ